The following is an entry in ClinVar:

ClinVar aggregate classification (germline): Pathogenic (1 of 4 stars; one submission).

Conditions:
Muscular dystrophy-dystroglycanopathy (congenital with brain and eye anomalies), type A9. Also called: WALKER-WARBURG SYNDROME OR MUSCLE-EYE BRAIN DISEASE, DAG1-RELATED; Muscular dystrophy-dystroglycanopathy (congenital with brain and eye anomalies), type a, 9. Identifiers: Orphanet 370997, Orphanet 899, MedGen C4225291, MONDO:0014683, OMIM 616538.
Autosomal recessive limb-girdle muscular dystrophy type 2P. Also called: MUSCULAR DYSTROPHY-DYSTROGLYCANOPATHY, LIMB-GIRDLE, DAG1-RELATED; Limb-Girdle Muscular Dystrophy Type 9C; MUSCULAR DYSTROPHY, LIMB-GIRDLE, TYPE 2P. Identifiers: Orphanet 280333, MedGen C4511963, MONDO:0013440, OMIM 613818.

Submission:

Labcorp Genetics (formerly Invitae), Labcorp
Classification: Pathogenic for Autosomal recessive limb-girdle muscular dystrophy type 2P; Muscular dystrophy-dystroglycanopathy (congenital with brain and eye anomalies), type A9. Last evaluated: 2025-10-03. Review status: criteria provided, single submitter. Criteria: Invitae Variant Classification Sherloc (09022015). Collection method: clinical testing. Allele origin: germline.
Comment: This sequence change creates a premature translational stop signal (p.Gln206Lysfs*15) in the DAG1 gene. While this is not anticipated to result in nonsense mediated decay, it is expected to disrupt the last 690 amino acid(s) of the DAG1 protein. This variant is not present in population databases (gnomAD no frequency). This variant has not been reported in the literature in individuals affected with DAG1-related conditions. This variant disrupts a region of the DAG1 protein in which other variant(s) (p.Arg776Cys)) have been determined to be pathogenic (PMID: 30450679). This suggests that this is a clinically significant region of the protein, and that variants that disrupt it are likely to be disease-causing. For these reasons, this variant has been classified as Pathogenic.

Literature cited by the submitters: PubMed 30450679.

NM_004393.6(DAG1):c.616del (p.Gln206fs)

Gene: DAG1 (dystroglycan 1; plus strand). Cytogenetic location: 3p21.31.
Variant type: Deletion.
Coding change: c.616del on transcript NM_004393.6 (MANE Select); coding-DNA position 616, one base deleted (C; older notation c.616delC).
Protein change: p.Gln206fs; shifts the reading frame from glutamine 206.
Molecular consequence: frameshift variant.
Genome position (GRCh38, 1-based): chr3:49,531,127, C deleted. VCF-style (leftmost placement, unchanged base first): chr3-49531126-GC-G. GRCh37 (hg19) VCF-style: chr3-49568559-GC-G.
Other names: c.616del, p.Gln206fs (NM_001177644.3, NM_001438880.1, NM_001438881.1 and 18 more transcripts); short protein forms Q206fs.
Identifiers: ClinVar variation 4786300 (VCV004786300.1).